The following is an entry in ClinVar:

NM_003924.4(PHOX2B):c.319A>T (p.Ser107Cys)

Gene: PHOX2B (paired like homeobox 2B; minus strand). Cytogenetic location: 4p13.
Variant type: single nucleotide variant.
Coding change: c.319A>T on transcript NM_003924.4 (MANE Select); coding-DNA position 319, A replaced by T.
Protein change: p.Ser107Cys; replaces serine 107 with cysteine.
Molecular consequence: missense variant.
Genome position (GRCh38, 1-based): chr4:41,747,459, T>A on the plus strand (A>T on the coding strand, the complement: PHOX2B is on the minus strand). VCF-style: chr4-41747459-T-A. GRCh37 (hg19) VCF-style: chr4-41749476-T-A.
Other names: short protein forms S107C.
Identifiers: ClinVar variation 4136084 (VCV004136084.1).

ClinVar aggregate classification (germline): Uncertain significance (1 of 4 stars; one submission).

Conditions:
Hereditary cancer-predisposing syndrome. Also called: Hereditary neoplastic syndrome; Neoplastic Syndromes, Hereditary; Tumor predisposition; Hereditary Cancer Syndrome. Identifiers: Orphanet 140162, MedGen C0027672, MeSH D009386, MONDO:0015356.

Submission:

Ambry Genetics
Classification: Uncertain significance for Hereditary cancer-predisposing syndrome. Last evaluated: 2025-07-13. Review status: criteria provided, single submitter. Criteria: Ambry Variant Classification Scheme 2023. Collection method: clinical testing. Allele origin: germline.
Comment: The p.S107C variant (also known as c.319A>T), located in coding exon 2 of the PHOX2B gene, results from an A to T substitution at nucleotide position 319. The serine at codon 107 is replaced by cysteine, an amino acid with dissimilar properties. This amino acid position is conserved. In addition, this alteration is predicted to be deleterious by in silico analysis. Based on the available evidence, the clinical significance of this variant remains unclear.